The following is an entry in ClinVar:

ClinVar aggregate classification (germline): Uncertain significance. Review status: criteria provided, multiple submitters, no conflicts (2 of 4 stars). 7 submissions from 6 submitters: Uncertain significance (6). 1 of the submissions does not count toward it. Last evaluated 2026-04-23.

Conditions:
Usher syndrome type 2A. Also called: RETINAL DISEASE IN USHER SYNDROME TYPE IIA, MODIFIER OF; USHER SYNDROME, TYPE IIA. Identifiers: Orphanet 231178, Orphanet 886, MedGen C1848634, MONDO:0010169, OMIM 276901.
Retinitis pigmentosa 39 (RP39). Identifiers: Orphanet 791, MedGen C3151138, MONDO:0013436, OMIM 613809.

Allele frequency attached by ClinVar (database versions not stated): TOPMed 0.00002; ESP Exome Variant Server 0.00008; gnomAD 0.00001; ExAC 0.00002.
gnomAD v4.1: 21 of 1,613,620 alleles (0.0013%); highest among the groups gnomAD compares: Admixed American, 0.0067%; no homozygotes.

Submissions (7):

GeneDx
Classification: Uncertain significance. Last evaluated: 2026-04-23. Review status: criteria provided, single submitter. Criteria: GeneDx Variant Classification Process June 2021. Collection method: clinical testing. Allele origin: germline.
Comment: In silico analysis suggests that this missense variant does not alter protein structure/function; This variant is associated with the following publications: (PMID: 36819107)

Genome-Nilou Lab
Classification: Uncertain significance for Retinitis pigmentosa 39. Last evaluated: 2023-11-04. Review status: criteria provided, single submitter. Criteria: ACMG Guidelines, 2015. Collection method: clinical testing. Allele origin: germline. Affected: no.

Genome-Nilou Lab
Classification: Uncertain significance for Usher syndrome type 2A. Last evaluated: 2023-11-04. Review status: criteria provided, single submitter. Criteria: ACMG Guidelines, 2015. Collection method: clinical testing. Allele origin: germline. Affected: no.

Labcorp Genetics (formerly Invitae), Labcorp
Classification: Uncertain significance. Last evaluated: 2022-08-16. Review status: criteria provided, single submitter. Criteria: Invitae Variant Classification Sherloc (09022015). Collection method: clinical testing. Allele origin: germline.
Comment: This sequence change replaces alanine, which is neutral and non-polar, with threonine, which is neutral and polar, at codon 2463 of the USH2A protein (p.Ala2463Thr). This variant is present in population databases (rs374569301, gnomAD 0.009%). This variant has not been reported in the literature in individuals affected with USH2A-related conditions. ClinVar contains an entry for this variant (Variation ID: 667031). Algorithms developed to predict the effect of missense changes on protein structure and function (SIFT, PolyPhen-2, Align-GVGD) all suggest that this variant is likely to be disruptive. In summary, the available evidence is currently insufficient to determine the role of this variant in disease. Therefore, it has been classified as a Variant of Uncertain Significance.

Blueprint Genetics
Classification: Uncertain significance. Last evaluated: 2019-02-07. Review status: criteria provided, single submitter. Criteria: ACMG Guidelines, 2015. Collection method: clinical testing. Allele origin: germline.

Laboratory for Molecular Medicine, Mass General Brigham Personalized Medicine
Classification: Uncertain significance. Last evaluated: 2018-03-05. Review status: criteria provided, single submitter. Criteria: LMM Criteria. Collection method: clinical testing. Allele origin: germline. Inheritance: Autosomal recessive inheritance. Observed: 1 variant allele.
Comment: The p.Ala2463Thr variant in USH2A has not been previously reported in individual s with hearing loss, but has been identified in 3/33528 Latino chromosomes by th e Genome Aggregation Database (gnomAD; dbSNP r s374569301); however, this frequency is low enough to be consistent with a carri er frequency for recessive hearing loss. Computational prediction tools and cons ervation analysis suggest that the p.Ala2463Thr variant may impact the protein, though this information is not predictive enough to determine pathogenicity. In summary, the clinical significance of the p.Ala2463Thr variant is uncertain. ACM G/AMP Criteria applied: PM2_Supporting, PP3

Natera, Inc.
Classification: Uncertain significance for Usher syndrome type 2A. Last evaluated: 2020-09-16. Review status: no assertion criteria provided. Collection method: clinical testing. Allele origin: germline. Not counted in ClinVar's aggregate classification.

NM_206933.4(USH2A):c.7387G>A (p.Ala2463Thr)

Gene: USH2A (usherin; minus strand). Cytogenetic location: 1q41.
Variant type: single nucleotide variant.
Coding change: c.7387G>A on transcript NM_206933.4 (MANE Select); coding-DNA position 7387, G replaced by A.
Protein change: p.Ala2463Thr; replaces alanine 2463 with threonine.
Molecular consequence: missense variant.
Genome position (GRCh38, 1-based): chr1:215,900,819, C>T on the plus strand (G>A on the coding strand, the complement: USH2A is on the minus strand). VCF-style: chr1-215900819-C-T. GRCh37 (hg19) VCF-style: chr1-216074161-C-T.
Other names: short protein forms A2463T.
Identifiers: ClinVar variation 667031 (VCV000667031.12), dbSNP rs374569301, ClinGen allele CA1394863.